The following is an entry in ClinVar:

NM_015629.4(PRPF31):c.1206G>A (p.Ser402=)

Gene: PRPF31 (pre-mRNA processing factor 31; plus strand). Cytogenetic location: 19q13.42.
Variant type: single nucleotide variant.
Coding change: c.1206G>A on transcript NM_015629.4 (MANE Select); coding-DNA position 1206, G replaced by A.
Protein change: p.Ser402=; no amino-acid change (serine 402 retained).
Molecular consequence: synonymous variant.
Genome position (GRCh38, 1-based): chr19:54,129,116, G>A. VCF-style: chr19-54129116-G-A. GRCh37 (hg19) VCF-style: chr19-54632491-G-A.
Identifiers: ClinVar variation 330106 (VCV000330106.15), dbSNP rs147663541, ClinGen allele CA309330553.

ClinVar aggregate classification (germline): Benign/Likely benign. Review status: criteria provided, multiple submitters, no conflicts (2 of 4 stars). 4 submissions from 4 submitters: Benign (1); Likely benign (3). Last evaluated 2025-05-29.

Conditions:
Retinal dystrophy. Also called: Inherited retinal dystrophy. Identifiers: Orphanet 71862, MedGen C0854723, MeSH D058499, MONDO:0019118, HP:0000556.
Retinitis pigmentosa (RP). Identifiers: Orphanet 791, MedGen C0035334, MeSH D012174, MONDO:0019200, OMIM 268000. Inheritance: Autosomal dominant, autosomal recessive and X linked inheritance.

Allele frequency attached by ClinVar (database versions not stated): TOPMed 0.00003; gnomAD 0.00004 and 0.00009; gnomAD exomes 0.00006 and 0.00022; ExAC 0.00021; 1000 Genomes Project 30x 0.00031; 1000 Genomes Project 0.00040.
gnomAD v4.1: 314 of 1,582,790 alleles (0.02%); highest among the groups gnomAD compares: East Asian, 0.67%; 2 homozygotes.

Submissions (4):

Labcorp Genetics (formerly Invitae), Labcorp
Classification: Likely benign. Last evaluated: 2025-05-29. Review status: criteria provided, single submitter. Criteria: Invitae Variant Classification Sherloc (09022015). Collection method: clinical testing. Allele origin: germline.

Dept Of Ophthalmology, Nagoya University
Classification: Benign for Retinal dystrophy. Last evaluated: 2023-10-01. Review status: criteria provided, single submitter. Criteria: Submitter's publication. Collection method: research. Allele origin: germline. Affected: yes.

Blueprint Genetics
Classification: Likely benign. Last evaluated: 2022-11-15. Review status: criteria provided, single submitter. Criteria: ACMG Guidelines, 2015. Collection method: clinical testing. Allele origin: germline.

Illumina Laboratory Services, Illumina
Classification: Likely benign for Retinitis pigmentosa. Last evaluated: 2018-01-12. Review status: criteria provided, single submitter. Criteria: ICSL Variant Classification Criteria 13 December 2019. Collection method: clinical testing. Allele origin: germline.
Comment: This variant was observed in the ICSL laboratory as part of a predisposition screen in an ostensibly healthy population. It had not been previously curated by ICSL or reported in the Human Gene Mutation Database (HGMD: prior to June 1st, 2018), and was therefore a candidate for classification through an automated scoring system. Utilizing variant allele frequency, disease prevalence and penetrance estimates, and inheritance mode, an automated score was calculated to assess if this variant is too frequent to cause the disease. Based on the score and internal cut-off values, a variant classified as likely benign is not then subjected to further curation. The score for this variant resulted in a classification of likely benign for this disease.